The following is an entry in ClinVar:

ClinVar aggregate classification (germline): Uncertain significance (1 of 4 stars; one submission).

Conditions:
EGFR-related lung cancer (EGFR). Identifiers: MedGen CN130014.

Allele frequency attached by ClinVar (database versions not stated): gnomAD exomes below 0.00001; ExAC 0.00001.

Submission:

Labcorp Genetics (formerly Invitae), Labcorp
Classification: Uncertain significance for EGFR-related lung cancer. Last evaluated: 2023-09-28. Review status: criteria provided, single submitter. Criteria: Invitae Variant Classification Sherloc (09022015). Collection method: clinical testing. Allele origin: germline.
Comment: This sequence change falls in intron 10 of the EGFR gene. It does not directly change the encoded amino acid sequence of the EGFR protein. It affects a nucleotide within the consensus splice site. This variant is present in population databases (rs747216672, gnomAD 0.006%). This variant has not been reported in the literature in individuals affected with EGFR-related conditions. Variants that disrupt the consensus splice site are a relatively common cause of aberrant splicing (PMID: 17576681, 9536098). Algorithms developed to predict the effect of sequence changes on RNA splicing suggest that this variant may disrupt the consensus splice site. In summary, the available evidence is currently insufficient to determine the role of this variant in disease. Therefore, it has been classified as a Variant of Uncertain Significance.

Literature cited by the submitters: PubMed 17576681; PubMed 9536098.

NM_005228.5(EGFR):c.1207+4_1207+5insAA

Genes: EGFR (epidermal growth factor receptor; plus strand), LOC126860048 (P300/CBP strongly-dependent group 1 enhancer GRCh37_chr7:55223847-55225046; plus strand). Cytogenetic location: 7p11.2.
Variant type: Insertion.
Coding change: c.1207+4_1207+5insAA on transcript NM_005228.5 (MANE Select); bases 4 to 5 of the intron after coding-DNA position 1207, AA inserted.
Molecular consequence: intron variant. On other transcripts: frameshift variant (1).
Genome position: GRCh38 VCF-style: chr7-55156836-T-TAA. GRCh37 (hg19) VCF-style: chr7-55224529-T-TAA.
Other names: c.1211_1212insAA, p.Ser405fs (NM_201283.2); c.1072+4_1072+5insAA (NM_001346899.2, NM_001346897.2); c.406+4_406+5insAA (NM_001346941.2); c.1207+4_1207+5insAA (NM_001346898.2, NM_201284.2, NM_201282.2); c.1048+4_1048+5insAA (NM_001346900.2); short protein forms S405fs.
Identifiers: ClinVar variation 2761266 (VCV002761266.3), dbSNP rs747216672, ClinGen allele CA4265502.